The following is an entry in ClinVar:

ClinVar aggregate classification (germline): Likely pathogenic. Review status: reviewed by expert panel (3 of 4 stars). 5 submissions from 5 submitters: Likely pathogenic (1). 4 of the submissions do not count toward it. Last evaluated 2022-03-08.

Conditions:
Very long chain acyl-CoA dehydrogenase deficiency (ACADVLD). Also called: Very Long-Chain Acyl-Coenzyme A Dehydrogenase Deficiency; VLCAD Deficiency. Identifiers: Orphanet 26793, MedGen C3887523, MONDO:0008723, OMIM 201475.

Allele frequency attached by ClinVar (database versions not stated): gnomAD exomes below 0.00001.

Submissions (5):

ClinGen ACADVL Variant Curation Expert Panel, ClinGen
Classification: Likely pathogenic for Very long chain acyl-CoA dehydrogenase deficiency. Last evaluated: 2022-03-08. Review status: reviewed by expert panel. Criteria: clingen acadvl acmg specifications v1. Collection method: curation. Allele origin: germline. Inheritance: Autosomal recessive inheritance.
Comment: The c.433C>T (p.Gln145Ter) variant in ACADVL is a nonsense variant predicted to cause a premature stop codon in biologically-relevant-exon 6/20 leading to nonsense mediated decay in a gene in which loss-of-function is an established disease mechanism (PVS1; PMIDs 9973285, 11590124). This variant is absent from gnomAD v2.11 (PM2_Supporting). The ACADVL Variant Curation Expert Panel VCEP classified the variant as likely pathogenic based on PVS1+PM2_supporting (VCEP specifications v2.0, approved on 09/16/2021).

Labcorp Genetics (formerly Invitae), Labcorp
Classification: Pathogenic for Very long chain acyl-CoA dehydrogenase deficiency. Last evaluated: 2025-09-08. Review status: criteria provided, single submitter. Criteria: Invitae Variant Classification Sherloc (09022015). Collection method: clinical testing. Allele origin: germline. Not counted in ClinVar's aggregate classification.
Comment: This sequence change creates a premature translational stop signal (p.Gln145*) in the ACADVL gene. It is expected to result in an absent or disrupted protein product. Loss-of-function variants in ACADVL are known to be pathogenic (PMID: 9973285, 11590124). This variant is not present in population databases (gnomAD no frequency). This premature translational stop signal has been observed in individual(s) with ACADVL-related conditions (PMID: 9973285, 10384387). This variant is also known as Q105X. ClinVar contains an entry for this variant (Variation ID: 189159). Algorithms developed to predict the effect of sequence changes on RNA splicing suggest that this variant may disrupt the consensus splice site. For these reasons, this variant has been classified as Pathogenic.

Fulgent Genetics
Classification: Likely pathogenic for Very long chain acyl-CoA dehydrogenase deficiency. Last evaluated: 2024-04-05. Review status: criteria provided, single submitter. Criteria: ACMG Guidelines, 2015. Collection method: clinical testing. Allele origin: germline. Not counted in ClinVar's aggregate classification.

Baylor Genetics
Classification: Pathogenic for Very long chain acyl-CoA dehydrogenase deficiency. Last evaluated: 2023-12-27. Review status: criteria provided, single submitter. Criteria: ACMG Guidelines, 2015. Collection method: clinical testing. Allele origin: unknown. Not counted in ClinVar's aggregate classification.

Counsyl
Classification: Likely pathogenic for Very long chain acyl-CoA dehydrogenase deficiency. Last evaluated: 2015-01-28. Review status: no assertion criteria provided. Collection method: literature only. Allele origin: unknown. Inheritance: Autosomal recessive inheritance. Not counted in ClinVar's aggregate classification.

Literature cited by the submitters: PubMed 9973285 (cited by Labcorp Genetics (formerly Invitae), Labcorp and Counsyl); PubMed 11590124 (cited by Labcorp Genetics (formerly Invitae), Labcorp); PubMed 10384387 (cited by Labcorp Genetics (formerly Invitae), Labcorp and Counsyl).

NM_000018.4(ACADVL):c.433C>T (p.Gln145Ter)

Gene: ACADVL (acyl-CoA dehydrogenase very long chain; plus strand). Cytogenetic location: 17p13.1.
Variant type: single nucleotide variant.
Coding change: c.433C>T on transcript NM_000018.4 (MANE Select); coding-DNA position 433, C replaced by T.
Protein change: p.Gln145Ter; replaces glutamine 145 with a stop codon.
Molecular consequence: nonsense.
Genome position (GRCh38, 1-based): chr17:7,221,014, C>T. VCF-style: chr17-7221014-C-T. GRCh37 (hg19) VCF-style: chr17-7124333-C-T.
Other names: NM_000018.4(ACADVL):c.433C>T; p.Gln145Ter; c.367C>T, p.Gln123Ter (NM_001033859.3); c.502C>T, p.Gln168Ter (NM_001270447.2); c.205C>T, p.Gln69Ter (NM_001270448.2); short protein forms Q145*, Q123*, Q168*, Q69*.
Identifiers: ClinVar variation 189159 (VCV000189159.17), dbSNP rs786204738, ClinGen allele CA274436.